The following is an entry in ClinVar:

ClinVar aggregate classification (germline): Uncertain significance (1 of 4 stars; one submission).

Allele frequency attached by ClinVar (database versions not stated): gnomAD exomes below 0.00001; TOPMed below 0.00001.
gnomAD v4.1: 3 of 1,524,904 alleles (0.0002%); highest among the groups gnomAD compares: East Asian, 0.0052%; no homozygotes.

Submission:

Labcorp Genetics (formerly Invitae), Labcorp
Classification: Uncertain significance. Last evaluated: 2024-11-04. Review status: criteria provided, single submitter. Criteria: Invitae Variant Classification Sherloc (09022015). Collection method: clinical testing. Allele origin: germline.
Comment: This sequence change replaces glycine, which is neutral and non-polar, with arginine, which is basic and polar, at codon 15 of the PDE4D protein (p.Gly15Arg). This variant is present in population databases (no rsID available, gnomAD 0.03%). This variant has not been reported in the literature in individuals affected with PDE4D-related conditions. ClinVar contains an entry for this variant (Variation ID: 2001243). Experimental studies and prediction algorithms are not available or were not evaluated, and the functional significance of this variant is currently unknown. In summary, the available evidence is currently insufficient to determine the role of this variant in disease. Therefore, it has been classified as a Variant of Uncertain Significance.

NM_001104631.2(PDE4D):c.43G>C (p.Gly15Arg)

Gene: PDE4D (phosphodiesterase 4D; minus strand). Cytogenetic location: 5q12.1.
Variant type: single nucleotide variant.
Coding change: c.43G>C on transcript NM_001104631.2 (MANE Select); coding-DNA position 43, G replaced by C.
Protein change: p.Gly15Arg; replaces glycine 15 with arginine.
Molecular consequence: missense variant. On other transcripts: intron variant (5).
Genome position (GRCh38, 1-based): chr5:59,893,580, C>G on the plus strand (G>C on the coding strand, the complement: PDE4D is on the minus strand). VCF-style: chr5-59893580-C-G. GRCh37 (hg19) VCF-style: chr5-59189407-C-G.
Other names: c.272+94908G>C (NM_001364599.1, NM_001165899.2, NM_001364600.2); c.-240+94908G>C (NM_001349243.2); c.242+94908G>C (NM_001349241.2); short protein forms G15R.
Identifiers: ClinVar variation 2001243 (VCV002001243.4), dbSNP rs1343568016, ClinGen allele CA359933217.